The following is an entry in ClinVar:

ClinVar aggregate classification (germline): Uncertain significance (1 of 4 stars; one submission).

Conditions:
Perlman syndrome (PRLMNS). Identifiers: Orphanet 2849, MedGen C0796113, MONDO:0009965, OMIM 267000.

gnomAD v4.1: 2 of 1,613,288 alleles (0.00012%); highest among the groups gnomAD compares: Middle Eastern, 0.017%; no homozygotes.

Submission:

Labcorp Genetics (formerly Invitae), Labcorp
Classification: Uncertain significance for Perlman syndrome. Last evaluated: 2023-11-09. Review status: criteria provided, single submitter. Criteria: Invitae Variant Classification Sherloc (09022015). Collection method: clinical testing. Allele origin: germline.
Comment: This sequence change replaces aspartic acid, which is acidic and polar, with tyrosine, which is neutral and polar, at codon 212 of the DIS3L2 protein (p.Asp212Tyr). This variant is not present in population databases (gnomAD no frequency). This variant has not been reported in the literature in individuals affected with DIS3L2-related conditions. ClinVar contains an entry for this variant (Variation ID: 998522). An algorithm developed to predict the effect of missense changes on protein structure and function (PolyPhen-2) suggests that this variant is likely to be disruptive. In summary, the available evidence is currently insufficient to determine the role of this variant in disease. Therefore, it has been classified as a Variant of Uncertain Significance.

NM_152383.5(DIS3L2):c.634G>T (p.Asp212Tyr)

Gene: DIS3L2 (DIS3 like 3'-5' exoribonuclease 2; plus strand). Cytogenetic location: 2q37.1.
Variant type: single nucleotide variant.
Coding change: c.634G>T on transcript NM_152383.5 (MANE Select); coding-DNA position 634, G replaced by T.
Protein change: p.Asp212Tyr; replaces aspartic acid 212 with tyrosine.
Molecular consequence: missense variant. On other transcripts: non-coding transcript variant (2).
Genome position (GRCh38, 1-based): chr2:232,130,651, G>T. VCF-style: chr2-232130651-G-T. GRCh37 (hg19) VCF-style: chr2-232995361-G-T.
Other names: c.634G>T, p.Asp212Tyr (NM_001257281.2, NM_001257282.2); short protein forms D212Y.
Identifiers: ClinVar variation 998522 (VCV000998522.6), dbSNP rs1698189407, ClinGen allele CA351153148.